The following is an entry in ClinVar:

ClinVar aggregate classification (germline): Uncertain significance (1 of 4 stars; one submission).

Conditions:
Tay-Sachs disease (TSD). Also called: HEXA DEFICIENCY; GM2 gangliosidosis, type 1; Hexosaminidase alpha-subunit deficiency (variant B); Sphingolipidosis, Tay-Sachs; Hexosaminidase A Deficiency; HEXA Disorders. Identifiers: Orphanet 845, MedGen C0039373, MONDO:0010100, OMIM 272800.

Submission:

Labcorp Genetics (formerly Invitae), Labcorp
Classification: Uncertain significance for Tay-Sachs disease. Last evaluated: 2022-08-07. Review status: criteria provided, single submitter. Criteria: Invitae Variant Classification Sherloc (09022015). Collection method: clinical testing. Allele origin: germline.
Comment: This sequence change replaces alanine, which is neutral and non-polar, with proline, which is neutral and non-polar, at codon 479 of the HEXA protein (p.Ala479Pro). This variant is not present in population databases (gnomAD no frequency). This variant has not been reported in the literature in individuals affected with HEXA-related conditions. Algorithms developed to predict the effect of missense changes on protein structure and function are either unavailable or do not agree on the potential impact of this missense change (SIFT: "Deleterious"; PolyPhen-2: "Probably Damaging"; Align-GVGD: "Class C0"). In summary, the available evidence is currently insufficient to determine the role of this variant in disease. Therefore, it has been classified as a Variant of Uncertain Significance.

NM_000520.6(HEXA):c.1435G>C (p.Ala479Pro)

Gene: HEXA (hexosaminidase subunit alpha; minus strand). Cytogenetic location: 15q23.
Variant type: single nucleotide variant.
Coding change: c.1435G>C on transcript NM_000520.6 (MANE Select); coding-DNA position 1435, G replaced by C.
Protein change: p.Ala479Pro; replaces alanine 479 with proline.
Molecular consequence: missense variant. On other transcripts: non-coding transcript variant (1).
Genome position (GRCh38, 1-based): chr15:72,345,537, C>G on the plus strand (G>C on the coding strand, the complement: HEXA is on the minus strand). VCF-style: chr15-72345537-C-G. GRCh37 (hg19) VCF-style: chr15-72637878-C-G.
Other names: c.1468G>C, p.Ala490Pro (NM_001318825.2); short protein forms A479P, A490P.
Identifiers: ClinVar variation 2076566 (VCV002076566.1), dbSNP rs145012038, ClinGen allele CA393058871.